The following is an entry in ClinVar:

NM_001394372.1(BICRA):c.3148G>A (p.Ala1050Thr)

Gene: BICRA (BRD4 interacting chromatin remodeling complex associated protein; plus strand). Cytogenetic location: 19q13.33.
Variant type: single nucleotide variant.
Coding change: c.3148G>A on transcript NM_001394372.1 (MANE Select); coding-DNA position 3148, G replaced by A.
Protein change: p.Ala1050Thr; replaces alanine 1050 with threonine.
Molecular consequence: missense variant.
Genome position (GRCh38, 1-based): chr19:47,695,436, G>A. VCF-style: chr19-47695436-G-A. GRCh37 (hg19) VCF-style: chr19-48198693-G-A.
Other names: c.3148G>A, p.Ala1050Thr (NM_015711.3); short protein forms A1050T.
Identifiers: ClinVar variation 2572712 (VCV002572712.3), dbSNP rs542086131, ClinGen allele CA406621856.

ClinVar aggregate classification (germline): Uncertain significance (1 of 4 stars; one submission).

Submission:

GeneDx
Classification: Uncertain significance. Last evaluated: 2025-03-20. Review status: criteria provided, single submitter. Criteria: GeneDx Variant Classification Process June 2021. Collection method: clinical testing. Allele origin: germline. Affected: yes.
Comment: Not observed at significant frequency in large population cohorts (gnomAD); In silico analysis supports that this missense variant does not alter protein structure/function; Has not been previously published as pathogenic or benign to our knowledge